The following is an entry in ClinVar:

NM_018847.4(KLHL9):c.244A>G (p.Thr82Ala)

Gene: KLHL9 (kelch like family member 9; minus strand). Cytogenetic location: 9p21.3.
Variant type: single nucleotide variant.
Coding change: c.244A>G on transcript NM_018847.4 (MANE Select); coding-DNA position 244, A replaced by G.
Protein change: p.Thr82Ala; replaces threonine 82 with alanine.
Molecular consequence: missense variant.
Genome position (GRCh38, 1-based): chr9:21,334,616, T>C on the plus strand (A>G on the coding strand, the complement: KLHL9 is on the minus strand). VCF-style: chr9-21334616-T-C. GRCh37 (hg19) VCF-style: chr9-21334615-T-C.
Other names: short protein forms T82A.
Identifiers: ClinVar variation 3692407 (VCV003692407.2).

ClinVar aggregate classification (germline): Uncertain significance (1 of 4 stars; one submission).

Submission:

Labcorp Genetics (formerly Invitae), Labcorp
Classification: Uncertain significance. Last evaluated: 2024-04-03. Review status: criteria provided, single submitter. Criteria: Invitae Variant Classification Sherloc (09022015). Collection method: clinical testing. Allele origin: germline.
Comment: This sequence change replaces threonine, which is neutral and polar, with alanine, which is neutral and non-polar, at codon 82 of the KLHL9 protein (p.Thr82Ala). This variant is not present in population databases (gnomAD no frequency). This variant has not been reported in the literature in individuals affected with KLHL9-related conditions. Advanced modeling of protein sequence and biophysical properties (such as structural, functional, and spatial information, amino acid conservation, physicochemical variation, residue mobility, and thermodynamic stability) performed at Invitae indicates that this missense variant is not expected to disrupt KLHL9 protein function with a negative predictive value of 80%. In summary, the available evidence is currently insufficient to determine the role of this variant in disease. Therefore, it has been classified as a Variant of Uncertain Significance.